The following is an entry in ClinVar:

ClinVar aggregate classification (germline): Uncertain significance (1 of 4 stars; one submission).

Allele frequency attached by ClinVar (database versions not stated): TOPMed below 0.00001; ExAC 0.00001; gnomAD 0.00001; gnomAD exomes 0.00001 and 0.00002.
gnomAD v4.1: 24 of 1,613,946 alleles (0.0015%); highest among the groups gnomAD compares: East Asian, 0.02%; no homozygotes.

Submission:

Labcorp Genetics (formerly Invitae), Labcorp
Classification: Uncertain significance. Last evaluated: 2021-11-23. Review status: criteria provided, single submitter. Criteria: Invitae Variant Classification Sherloc (09022015). Collection method: clinical testing. Allele origin: germline.
Comment: In summary, the available evidence is currently insufficient to determine the role of this variant in disease. Therefore, it has been classified as a Variant of Uncertain Significance. Algorithms developed to predict the effect of missense changes on protein structure and function output the following: SIFT: "Tolerated"; PolyPhen-2: "Benign"; Align-GVGD: "Class C0". The glutamine amino acid residue is found in multiple mammalian species, which suggests that this missense change does not adversely affect protein function. This variant has not been reported in the literature in individuals affected with SLC26A3-related conditions. This variant is present in population databases (rs746185703, gnomAD 0.006%). This sequence change replaces arginine, which is basic and polar, with glutamine, which is neutral and polar, at codon 566 of the SLC26A3 protein (p.Arg566Gln).

NM_000111.3(SLC26A3):c.1697G>A (p.Arg566Gln)

Gene: SLC26A3 (solute carrier family 26 member 3; minus strand). Cytogenetic location: 7q22.3.
Variant type: single nucleotide variant.
Coding change: c.1697G>A on transcript NM_000111.3 (MANE Select); coding-DNA position 1697, G replaced by A.
Protein change: p.Arg566Gln; replaces arginine 566 with glutamine.
Molecular consequence: missense variant.
Genome position (GRCh38, 1-based): chr7:107,774,853, C>T on the plus strand (G>A on the coding strand, the complement: SLC26A3 is on the minus strand). VCF-style: chr7-107774853-C-T. GRCh37 (hg19) VCF-style: chr7-107415298-C-T.
Other names: short protein forms R566Q.
Identifiers: ClinVar variation 1443524 (VCV001443524.4), dbSNP rs746185703, ClinGen allele CA4433721.